The following is an entry in ClinVar:

ClinVar aggregate classification (germline): Benign/Likely benign. Review status: criteria provided, multiple submitters, no conflicts (2 of 4 stars). 3 submissions from 3 submitters: Benign (1); Likely benign (2). Last evaluated 2025-01-22.

Conditions:
Hereditary cancer-predisposing syndrome. Also called: Tumor predisposition; Neoplastic Syndromes, Hereditary; Hereditary Cancer Syndrome; Hereditary neoplastic syndrome. Identifiers: Orphanet 140162, MedGen C0027672, MeSH D009386, MONDO:0015356.
Familial cancer of breast. Also called: BREAST CANCER, FAMILIAL; Hereditary breast cancer; hereditary breast carcinoma. Identifiers: Orphanet 227535, MedGen C0346153, MONDO:0016419, OMIM 114480. Disease mechanism: loss of function.

Submissions (3):

Myriad Genetics, Inc.
Classification: Benign for Familial cancer of breast. Last evaluated: 2025-01-22. Review status: criteria provided, single submitter. Criteria: Myriad Autosomal Dominant, Autosomal Recessive and X-Linked Classification Criteria (2023). Collection method: clinical testing. Allele origin: unknown.
Comment: This variant is considered benign. This variant is a silent/synonymous amino acid change and it is not expected to impact splicing.

Labcorp Genetics (formerly Invitae), Labcorp
Classification: Likely benign for Familial cancer of breast. Last evaluated: 2023-03-26. Review status: criteria provided, single submitter. Criteria: Invitae Variant Classification Sherloc (09022015). Collection method: clinical testing. Allele origin: germline.

Ambry Genetics
Classification: Likely benign for Hereditary cancer-predisposing syndrome. Last evaluated: 2021-07-26. Review status: criteria provided, single submitter. Criteria: Ambry Variant Classification Scheme 2023. Collection method: clinical testing. Allele origin: germline.

NM_024675.4(PALB2):c.3504C>T (p.Asp1168=)

Gene: PALB2 (partner and localizer of BRCA2; minus strand). Cytogenetic location: 16p12.2.
Variant type: single nucleotide variant.
Coding change: c.3504C>T on transcript NM_024675.4 (MANE Select); coding-DNA position 3504, C replaced by T.
Protein change: p.Asp1168=; no amino-acid change (aspartic acid 1168 retained).
Molecular consequence: synonymous variant.
Genome position (GRCh38, 1-based): chr16:23,603,516, G>A on the plus strand (C>T on the coding strand, the complement: PALB2 is on the minus strand). VCF-style: chr16-23603516-G-A. GRCh37 (hg19) VCF-style: chr16-23614837-G-A.
Identifiers: ClinVar variation 1103563 (VCV001103563.13), dbSNP rs1966396729, ClinGen allele CA494173549.